The following is an entry in ClinVar:

ClinVar aggregate classification (germline): Likely benign (1 of 4 stars; one submission).

Allele frequency attached by ClinVar (database versions not stated): 1000 Genomes Project 0.00160; 1000 Genomes Project 30x 0.00187; TOPMed 0.00196; gnomAD 0.00317.
gnomAD v4.1: 482 of 152,328 alleles (0.32%); highest among the groups gnomAD compares: Admixed American, 0.4%; 4 homozygotes.

Submission:

GeneDx
Classification: Likely benign. Last evaluated: 2021-05-20. Review status: criteria provided, single submitter. Criteria: GeneDx Variant Classification Process June 2021. Collection method: clinical testing. Allele origin: germline. Affected: yes.
Comment: See Variant Classification Assertion Criteria.

NM_018451.5(CPAP):c.975-191G>A

Gene: CPAP (centrosome assembly and centriole elongation protein; minus strand). Cytogenetic location: 13q12.13.
Variant type: single nucleotide variant.
Coding change: c.975-191G>A on transcript NM_018451.5 (MANE Select); 191 bases into the intron before coding-DNA position 975, G replaced by A.
Molecular consequence: intron variant.
Genome position (GRCh38, 1-based): chr13:24,907,384, C>T on the plus strand (G>A on the coding strand, the complement: CPAP is on the minus strand). VCF-style: chr13-24907384-C-T. GRCh37 (hg19) VCF-style: chr13-25481522-C-T.
Identifiers: ClinVar variation 1706805 (VCV001706805.2), dbSNP rs145561412, ClinGen allele CA247083474.
Genomic context (GRCh38, chr13:24,907,384, plus strand): 5'-AGAACCTAACAAAAGCCACAATCCCTCTCCACACCTTAAAATAAAGAAACATACAACACT[C>T]TTCACATGACTTTGGAGTCCTAAGAACCCTTCTGAAGTCCATCTATCGACCACAGATTAA-3'